The following is an entry in ClinVar:

ClinVar aggregate classification (germline): Uncertain significance (1 of 4 stars; one submission).

Conditions:
Inborn genetic diseases. Identifiers: MedGen C0950123, MeSH D030342.

Submission:

Ambry Genetics
Classification: Uncertain significance for Inborn genetic diseases. Last evaluated: 2021-09-22. Review status: criteria provided, single submitter. Criteria: Ambry Variant Classification Scheme 2023. Collection method: clinical testing. Allele origin: germline.
Comment: The p.I102M variant (also known as c.306T>G), located in coding exon 3 of the RAD51 gene, results from a T to G substitution at nucleotide position 306. The isoleucine at codon 102 is replaced by methionine, an amino acid with highly similar properties. This amino acid position is conserved. In addition, the in silico prediction for this alteration is inconclusive. Since supporting evidence is limited at this time, the clinical significance of this alteration remains unclear.

NM_002875.5(RAD51):c.306T>G (p.Ile102Met)

Gene: RAD51 (RAD51 recombinase; plus strand). Cytogenetic location: 15q15.1.
Variant type: single nucleotide variant.
Coding change: c.306T>G on transcript NM_002875.5 (MANE Select); coding-DNA position 306, T replaced by G.
Protein change: p.Ile102Met; replaces isoleucine 102 with methionine.
Molecular consequence: missense variant. On other transcripts: intron variant (2).
Genome position (GRCh38, 1-based): chr15:40,706,257, T>G. VCF-style: chr15-40706257-T-G. GRCh37 (hg19) VCF-style: chr15-40998455-T-G.
Other names: c.306T>G, p.Ile102Met (NM_001164270.2); c.347-2768T>G (NM_133487.4, NM_001164269.2); short protein forms I102M.
Identifiers: ClinVar variation 1799494 (VCV001799494.2), dbSNP rs745749160, ClinGen allele CA391749859.